The following is an entry in ClinVar:

NM_006060.6(IKZF1):c.499C>T (p.His167Tyr)

Gene: IKZF1 (IKAROS family zinc finger 1; plus strand). Cytogenetic location: 7p12.2.
Variant type: single nucleotide variant.
Coding change: c.499C>T on transcript NM_006060.6 (MANE Select); coding-DNA position 499, C replaced by T.
Protein change: p.His167Tyr; replaces histidine 167 with tyrosine.
Molecular consequence: missense variant. On other transcripts: intron variant (6).
Genome position (GRCh38, 1-based): chr7:50,382,617, C>T. VCF-style: chr7-50382617-C-T. GRCh37 (hg19) VCF-style: chr7-50450315-C-T.
Other names: c.499C>T, p.His167Tyr (NM_001220765.3, NM_001220768.2, NM_001291837.2); c.238C>T, p.His80Tyr (NM_001220767.2, NM_001220770.2, NM_001291838.2 and 1 more transcripts); c.559C>T, p.His187Tyr (NM_001410879.1); c.421+5824C>T (NM_001220771.2); c.161-4728C>T (NM_001291841.1, NM_001291842.1); c.161-9112C>T (NM_001291843.1, NM_001291844.1); c.161-17301C>T (NM_001291840.1); short protein forms H167Y, H187Y, H80Y.
Identifiers: ClinVar variation 2030696 (VCV002030696.6), dbSNP rs2153477674, ClinGen allele CA367530980.

ClinVar aggregate classification (germline): Conflicting classifications of pathogenicity. Review status: criteria provided, conflicting classifications (1 of 4 stars). 2 submissions from 2 submitters: Likely pathogenic (1); Uncertain significance (1). Last evaluated 2025-08-05.

Conditions:
Pancytopenia due to IKZF1 mutations. Also called: Immunodeficiency, common variable, 13. Identifiers: Orphanet 317473, MedGen C4225173, MONDO:0014810, OMIM 616873.

Submissions (2):

Labcorp Genetics (formerly Invitae), Labcorp
Classification: Uncertain significance. Last evaluated: 2025-08-05. Review status: criteria provided, single submitter. Criteria: Invitae Variant Classification Sherloc (09022015). Collection method: clinical testing. Allele origin: germline.
Comment: This sequence change replaces histidine, which is basic and polar, with tyrosine, which is neutral and polar, at codon 167 of the IKZF1 protein (p.His167Tyr). This variant is not present in population databases (gnomAD no frequency). This missense change has been observed in individual(s) with common variable immunodeficiency (PMID: 38734037). It has also been observed to segregate with disease in related individuals. ClinVar contains an entry for this variant (Variation ID: 2030696). An algorithm developed to predict the effect of missense changes on protein structure and function (PolyPhen-2) suggests that this variant is likely to be disruptive. Experimental studies have shown that this missense change affects IKZF1 function (PMID: 38734037). In summary, the available evidence is currently insufficient to determine the role of this variant in disease. Therefore, it has been classified as a Variant of Uncertain Significance.

Institute for Genomic Medicine, Nationwide Children's Hospital
Classification: Likely pathogenic for Pancytopenia due to IKZF1 mutations. Last evaluated: 2024-01-18. Review status: criteria provided, single submitter. Criteria: ACMG Guidelines, 2015. Collection method: research. Allele origin: inherited. Inheritance: Autosomal dominant inheritance. Affected: yes. Observed: 4 variant alleles, 4 heterozygotes. Clinical features observed: Combined immunodeficiency (HP:0005387).
Comment: The NM_006060.6:c.499C>T variant was identified by research genome sequencing in a family kindred with autosomal dominant CVID spanning several generations. It is predicted to cause a missense change (p.His167Tyr) in IKZF1. This variant is absent from public databases including gnomAD v4 and RGC-ME, making it extremely rare. Most in silico tools (24 of 26 including REVEL) predict it to damage the encoded protein. This variant segregates with disease in our family kindred (heterozygous in 4/4 affected individuals, absent from 1/1 unaffected). While this amino acid change has not been reported as pathogenic, a different genomic variant at the same residue (c.500A>G:p.His167Arg) is a well-established pathogenic variant. We interpret this variant as Likely Pathogenic.

Literature cited by the submitters: PubMed 38734037 (cited by Labcorp Genetics (formerly Invitae), Labcorp).